The following is an entry in ClinVar:

ClinVar aggregate classification (germline): Conflicting classifications of pathogenicity. Review status: criteria provided, conflicting classifications (1 of 4 stars). 2 submissions from 2 submitters: Uncertain significance (1); Likely benign (1). Last evaluated 2023-09-06.

Conditions:
Cardiovascular phenotype. Identifiers: MedGen CN230736.
Long QT syndrome (LQTS). Identifiers: MedGen C0023976, MeSH D008133, MONDO:0002442. Disease mechanism: loss of function. Inheritance: Various modes of inheritance.

Allele frequency attached by ClinVar (database versions not stated): TOPMed below 0.00001; gnomAD exomes 0.00001.
gnomAD v4.1: 4 of 1,614,132 alleles (0.00025%); highest among the groups gnomAD compares: Non-Finnish European, 0.00025%; no homozygotes.

Submissions (2):

Ambry Genetics
Classification: Likely benign for Cardiovascular phenotype. Last evaluated: 2023-09-06. Review status: criteria provided, single submitter. Criteria: Ambry Variant Classification Scheme 2023. Collection method: clinical testing. Allele origin: germline.

Labcorp Genetics (formerly Invitae), Labcorp
Classification: Uncertain significance for Long QT syndrome. Last evaluated: 2021-04-03. Review status: criteria provided, single submitter. Criteria: Invitae Variant Classification Sherloc (09022015). Collection method: clinical testing. Allele origin: germline.
Comment: In summary, the available evidence is currently insufficient to determine the role of this variant in disease. Therefore, it has been classified as a Variant of Uncertain Significance. Algorithms developed to predict the effect of missense changes on protein structure and function output the following: SIFT: "Tolerated"; PolyPhen-2: "Benign"; Align-GVGD: "Class C0". The serine amino acid residue is found in multiple mammalian species, suggesting that this missense change does not adversely affect protein function. These predictions have not been confirmed by published functional studies and their clinical significance is uncertain. This sequence change replaces asparagine with serine at codon 3494 of the AKAP9 protein (p.Asn3494Ser). The asparagine residue is weakly conserved and there is a small physicochemical difference between asparagine and serine. This variant is not present in population databases (ExAC no frequency). This variant has not been reported in the literature in individuals with AKAP9-related conditions.

NM_005751.5(AKAP9):c.10481A>G (p.Asn3494Ser)

Gene: AKAP9 (A-kinase anchoring protein 9; plus strand). Cytogenetic location: 7q21.2.
Variant type: single nucleotide variant.
Coding change: c.10481A>G on transcript NM_005751.5 (MANE Select); coding-DNA position 10481, A replaced by G.
Protein change: p.Asn3494Ser; replaces asparagine 3494 with serine.
Molecular consequence: missense variant.
Genome position (GRCh38, 1-based): chr7:92,097,668, A>G. VCF-style: chr7-92097668-A-G. GRCh37 (hg19) VCF-style: chr7-91726982-A-G.
Other names: c.5126A>G, p.Asn1709Ser (NM_001379277.1); c.10457A>G, p.Asn3486Ser (NM_147185.3); c.10481A>G (NM_005751.4); short protein forms N1709S, N3494S, N3486S.
Identifiers: ClinVar variation 1419900 (VCV001419900.9), dbSNP rs1240295587, ClinGen allele CA368156509.